The following is an entry in ClinVar:

ClinVar aggregate classification (germline): Uncertain significance (1 of 4 stars; one submission).

Conditions:
KCNQ4-related disorder. Also called: KCNQ4-related condition.

gnomAD v4.1: 71 of 1,580,022 alleles (0.0045%); highest among the groups gnomAD compares: South Asian, 0.062%; no homozygotes.

Submission:

PreventionGenetics, part of Exact Sciences
Classification: Uncertain significance for KCNQ4-related condition. Last evaluated: 2026-04-20. Review status: criteria provided, single submitter. Criteria: ACMG Guidelines, 2015. Collection method: clinical testing. Allele origin: germline.
Comment: The KCNQ4 c.1219G>A variant is predicted to result in the amino acid substitution p.Gly407Arg. To our knowledge, this variant has not been reported in the literature. This variant is reported in 0.059% of alleles in individuals of South Asian descent in gnomAD. Although we suspect that this variant may be benign, at this time, the clinical significance of this variant is uncertain due to the absence of conclusive functional and genetic evidence.

NM_004700.4(KCNQ4):c.1219G>A (p.Gly407Arg)

Gene: KCNQ4 (potassium voltage-gated channel subfamily Q member 4; plus strand). Cytogenetic location: 1p34.2.
Variant type: single nucleotide variant.
Coding change: c.1219G>A on transcript NM_004700.4 (MANE Select); coding-DNA position 1219, G replaced by A.
Protein change: p.Gly407Arg; replaces glycine 407 with arginine.
Molecular consequence: missense variant. On other transcripts: intron variant (1).
Genome position (GRCh38, 1-based): chr1:40,824,185, G>A. VCF-style: chr1-40824185-G-A. GRCh37 (hg19) VCF-style: chr1-41289857-G-A.
Other names: c.1130+1783G>A (NM_172163.3); short protein forms G407R.
Identifiers: ClinVar variation 4979112 (VCV004979112.1).